The following is an entry in ClinVar:

NM_000548.5(TSC2):c.5285A>C (p.Asn1762Thr)

Gene: TSC2 (TSC complex subunit 2; plus strand). Cytogenetic location: 16p13.3.
Variant type: single nucleotide variant.
Coding change: c.5285A>C on transcript NM_000548.5 (MANE Select); coding-DNA position 5285, A replaced by C.
Protein change: p.Asn1762Thr; replaces asparagine 1762 with threonine.
Molecular consequence: missense variant. On other transcripts: non-coding transcript variant (5).
Genome position (GRCh38, 1-based): chr16:2,088,471, A>C. VCF-style: chr16-2088471-A-C. GRCh37 (hg19) VCF-style: chr16-2138472-A-C.
Other names: c.5084A>C, p.Asn1695Thr (NM_001077183.3); c.5216A>C, p.Asn1739Thr (NM_001114382.3); c.4976A>C, p.Asn1659Thr (NM_001318827.2); c.4940A>C, p.Asn1647Thr (NM_001318829.2); c.4553A>C, p.Asn1518Thr (NM_001318831.2); c.5117A>C, p.Asn1706Thr (NM_001318832.2); c.5087A>C, p.Asn1696Thr (NM_001363528.2); c.5153A>C, p.Asn1718Thr (NM_001370404.1); and 27 more; short protein forms N1247T, N1248T, N1538T, N1539T, N1562T, N1689T, N1695T, N1706T.
Identifiers: ClinVar variation 4825668 (VCV004825668.1).

ClinVar aggregate classification (germline): Uncertain significance (1 of 4 stars; one submission).

Conditions:
Hereditary cancer-predisposing syndrome. Also called: Neoplastic Syndromes, Hereditary; Tumor predisposition; Hereditary Cancer Syndrome; Hereditary neoplastic syndrome. Identifiers: Orphanet 140162, MedGen C0027672, MeSH D009386, MONDO:0015356.

Submission:

Ambry Genetics
Classification: Uncertain significance for Hereditary cancer-predisposing syndrome. Last evaluated: 2026-03-09. Review status: criteria provided, single submitter. Criteria: Ambry Variant Classification Scheme 2023. Collection method: clinical testing. Allele origin: germline.
Comment: The p.N1762T variant (also known as c.5285A>C), located in coding exon 41 of the TSC2 gene, results from an A to C substitution at nucleotide position 5285. The asparagine at codon 1762 is replaced by threonine, an amino acid with similar properties. This amino acid position is conserved. In addition, the in silico prediction for this alteration is inconclusive. Based on the available evidence, the clinical significance of this variant remains unclear.